The following is an entry in ClinVar:

NM_000062.3(SERPING1):c.322C>G (p.Gln108Glu)

Gene: SERPING1 (serpin family G member 1; plus strand). Cytogenetic location: 11q12.1.
Variant type: single nucleotide variant.
Coding change: c.322C>G on transcript NM_000062.3 (MANE Select); coding-DNA position 322, C replaced by G.
Protein change: p.Gln108Glu; replaces glutamine 108 with glutamic acid.
Molecular consequence: missense variant.
Genome position (GRCh38, 1-based): chr11:57,600,149, C>G. VCF-style: chr11-57600149-C-G. GRCh37 (hg19) VCF-style: chr11-57367622-C-G.
Other names: c.322C>G, p.Gln108Glu (NM_001032295.2); short protein forms Q108E.
Identifiers: ClinVar variation 4699685 (VCV004699685.1).
Genomic context (GRCh38, chr11:57,600,149, plus strand): 5'-ACACAACCCACCACAGAGCCCACCACCCAACCCACCATCCAACCCACCCAACCAACTACC[C>G]AGCTCCCAACAGATTCTCCTACCCAGCCCACTACTGGGTCCTTCTGCCCAGGACCTGTTA-3'
Protein context (NP_000053.2, residues 98-118): PTIQPTQPTT[Gln108Glu]LPTDSPTQPT

ClinVar aggregate classification (germline): Uncertain significance (1 of 4 stars; one submission).

gnomAD v4.1: 6 of 1,613,698 alleles (0.00037%); highest among the groups gnomAD compares: African/African-American, 0.0067%; no homozygotes.

Submission:

Labcorp Genetics (formerly Invitae), Labcorp
Classification: Uncertain significance. Last evaluated: 2025-05-13. Review status: criteria provided, single submitter. Criteria: Invitae Variant Classification Sherloc (09022015). Collection method: clinical testing. Allele origin: germline.
Comment: This sequence change replaces glutamine, which is neutral and polar, with glutamic acid, which is acidic and polar, at codon 108 of the SERPING1 protein (p.Gln108Glu). This variant is present in population databases (rs780799832, gnomAD 0.008%). This variant has not been reported in the literature in individuals affected with SERPING1-related conditions. Invitae Evidence Modeling of protein sequence and biophysical properties (such as structural, functional, and spatial information, amino acid conservation, physicochemical variation, residue mobility, and thermodynamic stability) has been performed for this missense variant. However, the output from this modeling did not meet the statistical confidence thresholds required to predict the impact of this variant on SERPING1 protein function. In summary, the available evidence is currently insufficient to determine the role of this variant in disease. Therefore, it has been classified as a Variant of Uncertain Significance.